The following is an entry in ClinVar:

ClinVar aggregate classification (germline): Uncertain significance (1 of 4 stars; one submission).

Submission:

GeneDx
Classification: Uncertain significance. Last evaluated: 2023-07-26. Review status: criteria provided, single submitter. Criteria: GeneDx Variant Classification Process June 2021. Collection method: clinical testing. Allele origin: germline. Affected: yes.
Comment: Not observed at significant frequency in large population cohorts (gnomAD); In silico analysis supports that this missense variant does not alter protein structure/function; Has not been previously published as pathogenic or benign to our knowledge

NM_003611.3(OFD1):c.580G>A (p.Glu194Lys)

Gene: OFD1 (OFD1 centriole and centriolar satellite protein; plus strand). Cytogenetic location: Xp22.2.
Variant type: single nucleotide variant.
Coding change: c.580G>A on transcript NM_003611.3 (MANE Select); coding-DNA position 580, G replaced by A.
Protein change: p.Glu194Lys; replaces glutamic acid 194 with lysine.
Molecular consequence: missense variant.
Genome position (GRCh38, 1-based): chrX:13,746,381, G>A. VCF-style: chrX-13746381-G-A. GRCh37 (hg19) VCF-style: chrX-13764500-G-A.
Other names: c.580G>A, p.Glu194Lys (NM_001330209.2); c.160G>A, p.Glu54Lys (NM_001330210.2); short protein forms E194K, E54K.
Identifiers: ClinVar variation 3361550 (VCV003361550.1).